The following is an entry in ClinVar:

NM_000059.4(BRCA2):c.2808del (p.Lys936fs)

Gene: BRCA2 (BRCA2 DNA repair associated; plus strand). Cytogenetic location: 13q13.1.
Variant type: Deletion.
Coding change: c.2808del on transcript NM_000059.4 (MANE Select); coding-DNA position 2808, one base deleted (A; older notation c.2808delA).
Protein change: p.Lys936fs; shifts the reading frame from lysine 936.
Molecular consequence: frameshift variant.
Genome position (GRCh38, 1-based): chr13:32,337,163, A deleted; the last of 3 consecutive A bases (chr13:32,337,161-32,337,163); deleting any one gives the same sequence. VCF-style (leftmost placement, unchanged base first): chr13-32337160-TA-T. GRCh37 (hg19) VCF-style: chr13-32911297-TA-T.
Other names: 3036delA; c.2808delA (NM_000059.3).
Identifiers: ClinVar variation 91787 (VCV000091787.35), dbSNP rs398122753, ClinGen allele CA016446.

ClinVar aggregate classification (germline): Pathogenic. Review status: reviewed by expert panel (3 of 4 stars). 11 submissions from 11 submitters: Pathogenic (1). 10 of the submissions do not count toward it. Last evaluated 2016-09-08.

Conditions:
Familial cancer of breast. Also called: BREAST CANCER, FAMILIAL; hereditary breast carcinoma; Hereditary breast cancer. Identifiers: Orphanet 227535, MedGen C0346153, MONDO:0016419, OMIM 114480. Disease mechanism: loss of function.
Hereditary breast ovarian cancer syndrome. Also called: Breast and ovarian cancer; Hereditary breast and ovarian cancer; Hereditary breast and ovarian cancer syndrome; BRCA1- and BRCA2-Associated Hereditary Breast and Ovarian Cancer; Hereditary breast and ovarian cancer syndrome (HBOC); Hereditary breast and/or ovarian cancer syndrome. Identifiers: Orphanet 145, MedGen C0677776, MeSH D061325, MONDO:0003582. Disease mechanism: loss of function.
Hereditary cancer-predisposing syndrome. Also called: Tumor predisposition; Hereditary Cancer Syndrome; Neoplastic Syndromes, Hereditary; Hereditary neoplastic syndrome. Identifiers: Orphanet 140162, MedGen C0027672, MeSH D009386, MONDO:0015356.
Breast-ovarian cancer, familial, susceptibility to, 2 (BROVCA2). Also called: BRCA2 Hereditary Breast and Ovarian Cancer. Identifiers: Orphanet 145, MedGen C2675520, MONDO:0012933, OMIM 612555. Disease mechanism: loss of function.

Submissions (11):

Evidence-based Network for the Interpretation of Germline Mutant Alleles (ENIGMA)
Classification: Pathogenic for Breast-ovarian cancer, familial, susceptibility to, 2. Last evaluated: 2016-09-08. Review status: reviewed by expert panel. Criteria: ENIGMA BRCA1/2 Classification Criteria (2015). Collection method: curation. Allele origin: germline.
Comment: Variant allele predicted to encode a truncated non-functional protein.

Labcorp Genetics (formerly Invitae), Labcorp
Classification: Pathogenic for Hereditary breast ovarian cancer syndrome. Last evaluated: 2025-12-09. Review status: criteria provided, single submitter. Criteria: Invitae Variant Classification Sherloc (09022015). Collection method: clinical testing. Allele origin: germline. Not counted in ClinVar's aggregate classification.
Comment: This sequence change creates a premature translational stop signal (p.Lys936Asnfs*24) in the BRCA2 gene. It is expected to result in an absent or disrupted protein product. Loss-of-function variants in BRCA2 are known to be pathogenic (PMID: 20104584). This variant is present in population databases (rs398122753, gnomAD 0.01%). This premature translational stop signal has been observed in individual(s) with breast cancer (PMID: 25428789, 26296701). This variant is also known as 3036delA. ClinVar contains an entry for this variant (Variation ID: 91787). For these reasons, this variant has been classified as Pathogenic.

Ambry Genetics
Classification: Pathogenic for Hereditary cancer-predisposing syndrome. Last evaluated: 2025-05-23. Review status: criteria provided, single submitter. Criteria: Ambry Variant Classification Scheme 2023. Collection method: clinical testing. Allele origin: germline. Not counted in ClinVar's aggregate classification.
Comment: The c.2808delA pathogenic mutation, located in coding exon 10 of the BRCA2 gene, results from a deletion of one nucleotide at nucleotide position 2808, causing a translational frameshift with a predicted alternate stop codon (p.K936NFS*24). This alteration has been reported in multiple patients with breast cancer and family histories of breast and/or ovarian cancer (Churpek JE et al. Breast Cancer Res. Treat. 2015 Jan;149:31-9; Ellingson MS et al. Breast Cancer Res. Treat. 2015 Sep;153:435-43). In addition to the clinical data presented in the literature, this alteration is expected to result in loss of function by premature protein truncation or nonsense-mediated mRNA decay. As such, this alteration is interpreted as a disease-causing mutation.

Baylor Genetics
Classification: Pathogenic for Familial cancer of breast. Last evaluated: 2024-03-22. Review status: criteria provided, single submitter. Criteria: ACMG Guidelines, 2015. Collection method: clinical testing. Allele origin: unknown. Not counted in ClinVar's aggregate classification.

GeneDx
Classification: Pathogenic. Last evaluated: 2023-06-29. Review status: criteria provided, single submitter. Criteria: GeneDx Variant Classification Process June 2021. Collection method: clinical testing. Allele origin: germline. Affected: yes. Not counted in ClinVar's aggregate classification.
Comment: Frameshift variant predicted to result in protein truncation or nonsense mediated decay in a gene for which loss-of-function is a known mechanism of disease; Observed in individuals with a personal or family history consistent with pathogenic variants in this gene (Churpek et al., 2015; Ellingson et al., 2015; Tung et al., 2015; Malone et al., 2006); Not observed at a significant frequency in large population cohorts (gnomAD); Truncating variants in this gene are considered pathogenic by a well-established clinical consortium and/or database; Also known as 3036delA; This variant is associated with the following publications: (PMID: 26296701, 25428789, 25186627, 16912212, 28152038, 32832836, 30787465, 32676327, 31853058, 29433453, 31892343, 30720243, 36370215)

Revvity Omics, Revvity
Classification: Pathogenic. Last evaluated: 2022-12-06. Review status: criteria provided, single submitter. Criteria: ACMG Guidelines, 2015. Collection method: clinical testing. Allele origin: germline. Not counted in ClinVar's aggregate classification.

Women's Health and Genetics/Laboratory Corporation of America, LabCorp
Classification: Pathogenic for Hereditary breast ovarian cancer syndrome. Last evaluated: 2022-05-09. Review status: criteria provided, single submitter. Criteria: LabCorp Variant Classification Summary - May 2015. Collection method: clinical testing. Allele origin: germline. Not counted in ClinVar's aggregate classification.
Comment: Variant summary: BRCA2 c.2808delA (p.Lys936AsnfsX24) results in a premature termination codon, predicted to cause a truncation of the encoded protein or absence of the protein due to nonsense mediated decay, which are commonly known mechanisms for disease. Truncations downstream of this position have been classified as pathogenic by our laboratory. The variant was absent in 251774 control chromosomes. c.2808delA has been reported in the literature in individuals affected with Hereditary Breast and Ovarian Cancer (Malone 2006, Tung 2015, Churpek 2015, Ellingson 2015). These data indicate that the variant is likely to be associated with disease. Seven clinical diagnostic laboratories have submitted clinical-significance assessments for this variant to ClinVar after 2014 without evidence for independent evaluation. All laboratories classified the variant as pathogenic. Based on the evidence outlined above, the variant was classified as pathogenic.

Color Diagnostics, LLC DBA Color Health
Classification: Pathogenic for Hereditary cancer-predisposing syndrome. Last evaluated: 2022-02-07. Review status: criteria provided, single submitter. Criteria: ACMG Guidelines, 2015. Collection method: clinical testing. Allele origin: germline. Not counted in ClinVar's aggregate classification.
Comment: This variant deletes 1 nucleotide in exon 11 of the BRCA2 gene, creating a frameshift and premature translation stop signal. This variant is expected to result in an absent or non-functional protein product. This variant has been identified in 1/30968 chromosomes in the general population by the Genome Aggregation Database (gnomAD). Loss of BRCA2 function is a known mechanism of disease. Based on the available evidence, this variant is classified as Pathogenic.

Quest Diagnostics Nichols Institute San Juan Capistrano
Classification: Pathogenic. Last evaluated: 2017-03-18. Review status: criteria provided, single submitter. Criteria: Quest Diagnostics criteria. Collection method: clinical testing. Allele origin: germline. Not counted in ClinVar's aggregate classification.

Counsyl
Classification: Pathogenic for Breast-ovarian cancer, familial, susceptibility to, 2. Last evaluated: 2016-12-27. Review status: no assertion criteria provided. Collection method: clinical testing. Allele origin: unknown. Not counted in ClinVar's aggregate classification.

Sharing Clinical Reports Project (SCRP)
Classification: Pathogenic for Breast-ovarian cancer, familial 2. Last evaluated: 2011-06-16. Review status: no assertion criteria provided. Collection method: clinical testing. Allele origin: germline. Not counted in ClinVar's aggregate classification.

Literature cited by the submitters: PubMed 20104584 (cited by Labcorp Genetics (formerly Invitae), Labcorp); PubMed 25428789 (cited by 6 submitters); PubMed 26296701 (cited by 5 submitters); PubMed 16912212 (cited by 3 submitters); PubMed 25186627 (cited by 3 submitters).